The following is an entry in ClinVar:

ClinVar aggregate classification (germline): Likely benign (1 of 4 stars; one submission).

Submission:

CeGaT Center for Human Genetics Tuebingen
Classification: Likely benign. Last evaluated: 2022-07-01. Review status: criteria provided, single submitter. Criteria: CeGaT Center For Human Genetics Tuebingen Variant Classification Criteria Version 2. Collection method: clinical testing. Allele origin: germline. Affected: yes. Observed: 1 variant allele.
Comment: SDHA: PM2:Supporting, BP4, BP7

NM_004168.4(SDHA):c.987A>T (p.Arg329=)

Gene: SDHA (succinate dehydrogenase complex flavoprotein subunit A; plus strand). Cytogenetic location: 5p15.33.
Variant type: single nucleotide variant.
Coding change: c.987A>T on transcript NM_004168.4 (MANE Select); coding-DNA position 987, A replaced by T.
Protein change: p.Arg329=; no amino-acid change (arginine 329 retained).
Molecular consequence: synonymous variant.
Genome position (GRCh38, 1-based): chr5:233,568, A>T. VCF-style: chr5-233568-A-T. GRCh37 (hg19) VCF-style: chr5-233683-A-T.
Other names: c.843A>T, p.Arg281= (NM_001294332.2); c.987A>T, p.Arg329= (NM_001330758.2).
Identifiers: ClinVar variation 2655239 (VCV002655239.24), dbSNP rs2126577585, ClinGen allele CA442691694.